The following is an entry in ClinVar:

ClinVar aggregate classification (germline): Uncertain significance. Review status: criteria provided, multiple submitters, no conflicts (2 of 4 stars). 2 submissions from 2 submitters: Uncertain significance (2). Last evaluated 2025-10-31.

Conditions:
Primary ciliary dyskinesia. Also called: Ciliary dyskinesia. Identifiers: Orphanet 244, MedGen C0008780, MONDO:0016575, HP:0012265.

Allele frequency attached by ClinVar (database versions not stated): gnomAD exomes 0.00001; TOPMed 0.00001; gnomAD 0.00002.

Submissions (2):

Labcorp Genetics (formerly Invitae), Labcorp
Classification: Uncertain significance for Primary ciliary dyskinesia. Last evaluated: 2025-10-31. Review status: criteria provided, single submitter. Criteria: Invitae Variant Classification Sherloc (09022015). Collection method: clinical testing. Allele origin: germline.
Comment: This sequence change replaces alanine, which is neutral and non-polar, with threonine, which is neutral and polar, at codon 263 of the DNAH8 protein (p.Ala263Thr). This variant is present in population databases (no rsID available, gnomAD 0.0009%). This variant has not been reported in the literature in individuals affected with DNAH8-related conditions. ClinVar contains an entry for this variant (Variation ID: 650538). Experimental studies and prediction algorithms are not available or were not evaluated, and the functional significance of this variant is currently unknown. In summary, the available evidence is currently insufficient to determine the role of this variant in disease. Therefore, it has been classified as a Variant of Uncertain Significance.

Breakthrough Genomics
Classification: Uncertain significance. Review status: criteria provided, single submitter. Criteria: ACMG Guidelines, 2015. Collection method: not provided. Allele origin: germline. Inheritance: Autosomal recessive inheritance. Affected: yes.

NM_001206927.2(DNAH8):c.787G>A (p.Ala263Thr)

Gene: DNAH8 (dynein axonemal heavy chain 8; plus strand). Cytogenetic location: 6p21.2.
Variant type: single nucleotide variant.
Coding change: c.787G>A on transcript NM_001206927.2 (MANE Select); coding-DNA position 787, G replaced by A.
Protein change: p.Ala263Thr; replaces alanine 263 with threonine.
Molecular consequence: missense variant.
Genome position (GRCh38, 1-based): chr6:38,737,091, G>A. VCF-style: chr6-38737091-G-A. GRCh37 (hg19) VCF-style: chr6-38704867-G-A.
Other names: c.136G>A, p.Ala46Thr (NM_001371.4); short protein forms A46T, A263T.
Identifiers: ClinVar variation 650538 (VCV000650538.10), dbSNP rs1411109414, ClinGen allele CA363986465.
Genomic context (GRCh38, chr6:38,737,091, plus strand): 5'-AGCATGTAAAATAACATTTAAACTCCACCCTTTCAGGAAGCGCTCTTTACTGTTCTGGAT[G>A]CGTCGAAAGGACTCTTAAATGGAATTAGGGATATGTTGGCAAATATATTTCTACCAGCTG-3'
Protein context (NP_001193856.1, residues 253-273): QEEALFTVLD[Ala263Thr]SKGLLNGIRD